The following is an entry in ClinVar:

NM_006946.4(SPTBN2):c.3604G>A (p.Gly1202Arg)

Gene: SPTBN2 (spectrin beta, non-erythrocytic 2; minus strand). Cytogenetic location: 11q13.2.
Variant type: single nucleotide variant.
Coding change: c.3604G>A on transcript NM_006946.4 (MANE Select); coding-DNA position 3604, G replaced by A.
Protein change: p.Gly1202Arg; replaces glycine 1202 with arginine.
Molecular consequence: missense variant.
Genome position (GRCh38, 1-based): chr11:66,699,578, C>T on the plus strand (G>A on the coding strand, the complement: SPTBN2 is on the minus strand). VCF-style: chr11-66699578-C-T. GRCh37 (hg19) VCF-style: chr11-66467049-C-T.
Other names: c.3625G>A, p.Gly1209Arg (NM_001411025.1); c.3604G>A, p.Gly1202Arg (NM_001437541.1); short protein forms G1202R, G1209R.
Identifiers: ClinVar variation 5007967 (VCV005007967.1).

ClinVar aggregate classification (germline): Uncertain significance (1 of 4 stars; one submission).

Submission:

GeneDx
Classification: Uncertain significance. Last evaluated: 2026-03-05. Review status: criteria provided, single submitter. Criteria: GeneDx Variant Classification Process June 2021. Collection method: clinical testing. Allele origin: germline.
Comment: Not observed at significant frequency in large population cohorts (gnomAD); In silico analysis suggests that this missense variant does not alter protein structure/function; Has not been previously published as pathogenic or benign to our knowledge